The following is an entry in ClinVar:

NM_031935.3(HMCN1):c.14965G>A (p.Val4989Ile)

Gene: HMCN1 (hemicentin 1; plus strand). Cytogenetic location: 1q31.1.
Variant type: single nucleotide variant.
Coding change: c.14965G>A on transcript NM_031935.3 (MANE Select); coding-DNA position 14965, G replaced by A.
Protein change: p.Val4989Ile; replaces valine 4989 with isoleucine.
Molecular consequence: missense variant.
Genome position (GRCh38, 1-based): chr1:186,152,818, G>A. VCF-style: chr1-186152818-G-A. GRCh37 (hg19) VCF-style: chr1-186121950-G-A.
Other names: short protein forms V4989I.
Identifiers: ClinVar variation 1912029 (VCV001912029.5), dbSNP rs769353493, ClinGen allele CA1295114.

ClinVar aggregate classification (germline): Uncertain significance (1 of 4 stars; one submission).

Allele frequency attached by ClinVar (database versions not stated): TOPMed 0.00002; ExAC 0.00005.
gnomAD v4.1: 26 of 1,613,964 alleles (0.0016%); highest among the groups gnomAD compares: Admixed American, 0.023%; no homozygotes.

Submission:

Labcorp Genetics (formerly Invitae), Labcorp
Classification: Uncertain significance. Last evaluated: 2025-09-16. Review status: criteria provided, single submitter. Criteria: Invitae Variant Classification Sherloc (09022015). Collection method: clinical testing. Allele origin: germline.
Comment: This sequence change replaces valine, which is neutral and non-polar, with isoleucine, which is neutral and non-polar, at codon 4989 of the HMCN1 protein (p.Val4989Ile). This variant is present in population databases (rs769353493, gnomAD 0.04%). This variant has not been reported in the literature in individuals affected with HMCN1-related conditions. ClinVar contains an entry for this variant (Variation ID: 1912029). An algorithm developed to predict the effect of missense changes on protein structure and function outputs the following: PolyPhen-2: "Benign". The isoleucine amino acid residue is found in multiple mammalian species, which suggests that this missense change does not adversely affect protein function. In summary, the available evidence is currently insufficient to determine the role of this variant in disease. Therefore, it has been classified as a Variant of Uncertain Significance.